The following is an entry in ClinVar:

ClinVar aggregate classification (germline): Conflicting classifications of pathogenicity. Review status: criteria provided, conflicting classifications (1 of 4 stars). 13 submissions from 13 submitters: Uncertain significance (2); Benign (1); Likely benign (7). 3 of the submissions do not count toward it. Last evaluated 2026-01-27.

Conditions:
BRCA1-related disorder. Also called: BRCA1-related condition.
Hereditary cancer-predisposing syndrome. Also called: Tumor predisposition; Neoplastic Syndromes, Hereditary; Hereditary Cancer Syndrome; Hereditary neoplastic syndrome. Identifiers: Orphanet 140162, MedGen C0027672, MeSH D009386, MONDO:0015356.
Hereditary breast ovarian cancer syndrome. Also called: Hereditary breast and ovarian cancer syndrome (HBOC); Hereditary breast and ovarian cancer syndrome; Hereditary breast and ovarian cancer; Hereditary breast and/or ovarian cancer syndrome; Breast and ovarian cancer; BRCA1- and BRCA2-Associated Hereditary Breast and Ovarian Cancer. Identifiers: Orphanet 145, MedGen C0677776, MeSH D061325, MONDO:0003582. Disease mechanism: loss of function.
Breast-ovarian cancer, familial, susceptibility to, 1 (BROVCA1). Also called: OVARIAN CANCER, SUSCEPTIBILITY TO; BRCA1 Hereditary Breast and Ovarian Cancer. Identifiers: Orphanet 145, MedGen C2676676, MONDO:0011450, OMIM 604370. Disease mechanism: loss of function.
Malignant tumor of breast. Also called: Malignant breast neoplasm; Cancer breast. Identifiers: MedGen C0006142, MONDO:0007254. Disease mechanism: loss of function.

Allele frequency attached by ClinVar (database versions not stated): TOPMed 0.00002; gnomAD 0.00003; gnomAD exomes 0.00001.
gnomAD v4.1: 18 of 1,613,848 alleles (0.0011%); highest among the groups gnomAD compares: African/African-American, 0.0067%; no homozygotes.

Submissions (13):

Labcorp Genetics (formerly Invitae), Labcorp
Classification: Likely benign for Hereditary breast ovarian cancer syndrome. Last evaluated: 2026-01-27. Review status: criteria provided, single submitter. Criteria: Invitae Variant Classification Sherloc (09022015). Collection method: clinical testing. Allele origin: germline.

PreventionGenetics, part of Exact Sciences
Classification: Likely benign for BRCA1-related condition. Last evaluated: 2025-06-09. Review status: criteria provided, single submitter. Criteria: ACMG Guidelines, 2015. Collection method: clinical testing. Allele origin: germline.
Comment: This variant is classified as likely benign based on ACMG/AMP sequence variant interpretation guidelines (Richards et al. 2015 PMID: 25741868, with internal and published modifications).

Dasa
Classification: Benign for Breast-ovarian cancer, familial, susceptibility to, 1. Last evaluated: 2025-01-29. Review status: criteria provided, single submitter. Criteria: DASA Assertion Criteria. Collection method: clinical testing. Allele origin: germline.
Comment: NM_007294.4(BRCA1):c.398G>A (p.Arg133His) is a missense variant that results in the substitution of arginine with histidine. Functional evidence supports a deleterious effect on the gene or gene product. Multiple computational predictions support a deleterious effect on the gene or gene product. Based on the available data, this variant is classified as benign.

Quest Diagnostics Nichols Institute San Juan Capistrano
Classification: Uncertain significance. Last evaluated: 2024-12-20. Review status: criteria provided, single submitter. Criteria: Quest Diagnostics criteria. Collection method: clinical testing. Allele origin: unknown.
Comment: The BRCA1 c.398G>A (p.Arg133His) variant has been reported in the published literature in individuals/families with breast and/or ovarian cancer (PMIDs: 33471991 (2021), 32438681 (2020), 29470806 (2018), 29176636 (2018), and 28692638 (2017)), as well as in reportedly healthy individuals (PMIDs: 32467295 (2020) and 30287823 (2018)). It has also been characterized as being likely benign in a multifactorial likelihood study (PMID: 31131967 (2019)). The frequency of this variant in the general population (Genome Aggregation Database) is uninformative in the assessment of its pathogenicity. Analysis of this variant using bioinformatics tools for the prediction of the effect of amino acid changes on protein structure and function yielded conflicting predictions that this variant is benign or damaging. Based on the available information, we are unable to determine the clinical significance of this variant.

Sema4
Classification: Likely benign for Hereditary cancer-predisposing syndrome. Last evaluated: 2022-03-09. Review status: criteria provided, single submitter. Criteria: Sema4 Curation Guidelines. Collection method: curation. Allele origin: germline.

Women's Health and Genetics/Laboratory Corporation of America, LabCorp
Classification: Uncertain significance. Last evaluated: 2022-03-07. Review status: criteria provided, single submitter. Criteria: LabCorp Variant Classification Summary - May 2015. Collection method: clinical testing. Allele origin: germline.
Comment: Variant summary: BRCA1 c.398G>A (p.Arg133His) results in a non-conservative amino acid change in the encoded protein sequence. Three of five in-silico tools predict a damaging effect of the variant on protein function. The variant allele was found at a frequency of 8e-06 in 251442 control chromosomes (gnomAD). The available data on variant occurrences in the general population are insufficient to allow any conclusion about variant significance. c.398G>A has been reported in the literature in individuals affected with breast- and/or ovarian cancer (e.g. Santonicito_2020, Dorling_2021), however it was also found in healthy control individuals (e.g. Momozawa_2018, Dong_2021). These reports do not provide unequivocal conclusions about association of the variant with Hereditary Breast and Ovarian Cancer Syndrome. Publications also reported experimental evidence evaluating an impact on protein function, and demonstrated similar homology-directed recombination to the wild-type protein, slightly decreased E3 ligase activity and decreased interaction with Rack1 and impaired centrosome localization (Towler_2013, Starita_2015, Yoshino_2019). Six other clinical diagnostic laboratories have submitted clinical-significance assessments for this variant to ClinVar after 2014 without evidence for independent evaluation, and classified the variant as likely benign (n=5) or VUS (n=1). Based on the evidence outlined above, the variant was classified as VUS-possibly benign.

GeneDx
Classification: Likely benign. Last evaluated: 2019-11-06. Review status: criteria provided, single submitter. Criteria: GeneDx Variant Classification Process June 2021. Collection method: clinical testing. Allele origin: germline. Affected: yes.
Comment: This variant is associated with the following publications: (PMID: 15385441, 29625052, 23161852, 25348012, 29470806, 29176636, 27930734, 31131967, 30617304)

Mendelics
Classification: Likely benign for Breast-ovarian cancer, familial, susceptibility to, 1. Last evaluated: 2019-05-28. Review status: criteria provided, single submitter. Criteria: Mendelics Assertion Criteria 2017. Collection method: clinical testing. Allele origin: unknown.

Ambry Genetics
Classification: Likely benign for Hereditary cancer-predisposing syndrome. Last evaluated: 2019-05-03. Review status: criteria provided, single submitter. Criteria: Ambry Variant Classification Scheme 2023. Collection method: clinical testing. Allele origin: germline.

Color Diagnostics, LLC DBA Color Health
Classification: Likely benign for Hereditary cancer-predisposing syndrome. Last evaluated: 2017-09-14. Review status: criteria provided, single submitter. Criteria: ACMG Guidelines, 2015. Collection method: clinical testing. Allele origin: germline.

Sharing Clinical Reports Project (SCRP)
Classification: Likely benign for Breast-ovarian cancer, familial 1. Last evaluated: 2012-05-01. Review status: no assertion criteria provided. Collection method: clinical testing. Allele origin: germline. Not counted in ClinVar's aggregate classification.

Breast Cancer Information Core (BIC) (BRCA1)
Classification: Uncertain significance for Breast-ovarian cancer, familial 1. Last evaluated: 1999-06-22. Review status: no assertion criteria provided. Collection method: clinical testing. Allele origin: germline. Affected: yes. Observed: 1 variant allele. Not counted in ClinVar's aggregate classification.

Department of Pathology and Laboratory Medicine, Sinai Health System
Classification: Uncertain significance for Malignant tumor of breast. Review status: no assertion criteria provided. Collection method: clinical testing. Allele origin: unknown. Affected: yes. Observed: 1 variant allele. Study: The Canadian Open Genetics Repository (COGR). Not counted in ClinVar's aggregate classification.
Comment: The BRCA1 p.Arg133His variant was not identified in the literature nor was it identified in the NHLBI Exome Sequencing Project (Exome Variant Server), HGMD, LOVD, COSMIC, UMD, ClinVar, or BIC databases. It is listed in the dbSNP database (rs#80357357) but no frequency information was provided, thus the prevalence of this variant in the general population could not be determined. The p.Arg133 residue is conserved across mammals and lower organisms, and four out of five computational analyses (PolyPhen-2, SIFT, AlignGVGD, BLOSUM, MutationTaster) suggest that the p.Arg133His variant may impact the protein. However, this information is not predictive enough to assume pathogenicity. In summary, based on the above information, the clinical significance of this variant cannot be determined with certainty at this time. This variant is classified as a variant of unknown significance.

Literature cited by the submitters: PubMed 29176636 (cited by 3 submitters); PubMed 30287823 (cited by 3 submitters); PubMed 30702160 (cited by 3 submitters); PubMed 33087888 (cited by Quest Diagnostics Nichols Institute San Juan Capistrano and Women's Health and Genetics/Laboratory Corporation of America, LabCorp); PubMed 31825140 (cited by Quest Diagnostics Nichols Institute San Juan Capistrano and Women's Health and Genetics/Laboratory Corporation of America, LabCorp); PubMed 28692638 (cited by Quest Diagnostics Nichols Institute San Juan Capistrano); PubMed 29470806 (cited by Quest Diagnostics Nichols Institute San Juan Capistrano and Women's Health and Genetics/Laboratory Corporation of America, LabCorp); PubMed 32438681 (cited by Quest Diagnostics Nichols Institute San Juan Capistrano and Women's Health and Genetics/Laboratory Corporation of America, LabCorp); PubMed 32467295 (cited by Quest Diagnostics Nichols Institute San Juan Capistrano and Women's Health and Genetics/Laboratory Corporation of America, LabCorp); PubMed 31131967 (cited by Quest Diagnostics Nichols Institute San Juan Capistrano and Women's Health and Genetics/Laboratory Corporation of America, LabCorp); PubMed 33471991 (cited by Quest Diagnostics Nichols Institute San Juan Capistrano and Women's Health and Genetics/Laboratory Corporation of America, LabCorp); PubMed 33606355 (cited by Quest Diagnostics Nichols Institute San Juan Capistrano and Women's Health and Genetics/Laboratory Corporation of America, LabCorp); PubMed 23161852 (cited by Women's Health and Genetics/Laboratory Corporation of America, LabCorp); PubMed 25823446 (cited by Women's Health and Genetics/Laboratory Corporation of America, LabCorp); PubMed 27930734 (cited by Women's Health and Genetics/Laboratory Corporation of America, LabCorp).

NM_007294.4(BRCA1):c.398G>A (p.Arg133His)

Gene: BRCA1 (BRCA1 DNA repair associated; minus strand). Cytogenetic location: 17q21.31.
Variant type: single nucleotide variant.
Coding change: c.398G>A on transcript NM_007294.4 (MANE Select); coding-DNA position 398, G replaced by A.
Protein change: p.Arg133His; replaces arginine 133 with histidine.
Molecular consequence: missense variant. On other transcripts: non-coding transcript variant (1).
Genome position (GRCh38, 1-based): chr17:43,104,165, C>T on the plus strand (G>A on the coding strand, the complement: BRCA1 is on the minus strand). VCF-style: chr17-43104165-C-T. GRCh37 (hg19) VCF-style: chr17-41256182-C-T.
Other names: 517G>A; c.398G>A, p.Arg133His (NM_001407641.1, NM_001407642.1, NM_001407644.1 and 165 more transcripts); c.389G>A, p.Arg130His (NM_001407646.1, NM_001407647.1, NM_001408408.1); c.320G>A, p.Arg107His (NM_001407653.1, NM_001407654.1, NM_001407655.1 and 21 more transcripts); c.257G>A, p.Arg86His (NM_001407692.1, NM_001407694.1, NM_001407695.1 and 99 more transcripts); c.188G>A, p.Arg63His (NM_001407853.1, NM_001407879.1, NM_001407881.1 and 58 more transcripts); c.17G>A, p.Arg6His (NM_001407959.1, NM_001407960.1, NM_001407962.1 and 4 more transcripts); c.266G>A, p.Arg89His (NM_001408451.1); short protein forms R133H, R86H, R107H, R130H, R63H, R6H, R89H.
Identifiers: ClinVar variation 37557 (VCV000037557.28), dbSNP rs80357357, ClinGen allele CA002555.